The following is an entry in ClinVar:

ClinVar aggregate classification (germline): Uncertain significance (1 of 4 stars; one submission).

Conditions:
HEXA-related disorder. Also called: HEXA-related condition.

Submission:

PreventionGenetics, part of Exact Sciences
Classification: Uncertain significance for HEXA-related condition. Last evaluated: 2025-05-05. Review status: criteria provided, single submitter. Criteria: ACMG Guidelines, 2015. Collection method: clinical testing. Allele origin: germline.
Comment: The HEXA c.897_909delinsC variant is predicted to result in an in-frame deletion and insertion. To our knowledge, this variant has not been reported in the literature or in a large population database (gnomAD), indicating this variant is rare. Although we suspect that this variant may be pathogenic, at this time, the clinical significance of this variant is uncertain due to the absence of conclusive functional and genetic evidence.

NM_000520.6(HEXA):c.897_909delinsC (p.Glu299_Thr303delinsAsp)

Gene: HEXA (hexosaminidase subunit alpha; minus strand). Cytogenetic location: 15q23.
Variant type: Indel.
Coding change: c.897_909delinsC on transcript NM_000520.6 (MANE Select); coding-DNA positions 897 to 909, GTTCATGAGCACA replaced by C.
Protein change: p.Glu299_Thr303delinsAsp.
Molecular consequence: inframe indel. On other transcripts: non-coding transcript variant (1).
Genome position (GRCh38, 1-based): chr15:72,349,156-72,349,168, TGTGCTCATGAAC replaced by G on the plus strand (GTTCATGAGCACA replaced by C on the coding strand, the reverse complement: HEXA is on the minus strand). VCF-style: chr15-72349156-TGTGCTCATGAAC-G. GRCh37 (hg19) VCF-style: chr15-72641497-TGTGCTCATGAAC-G.
Other names: c.930_942delinsC, p.Glu310_Thr314delinsAsp (NM_001318825.2).
Identifiers: ClinVar variation 5000890 (VCV005000890.1).